The following is an entry in ClinVar:

NM_178857.6(RP1L1):c.361G>A (p.Glu121Lys)

Gene: RP1L1 (RP1 like 1). Cytogenetic location: 8p23.1.
Variant type: single nucleotide variant.
Coding change: c.361G>A on transcript NM_178857.6 (MANE Select); coding-DNA position 361, G replaced by A.
Protein change: p.Glu121Lys; replaces glutamic acid 121 with lysine.
Molecular consequence: missense variant.
Genome position (GRCh38, 1-based): chr8:10,622,841, C>T on the plus strand (G>A on the coding strand, the complement: RP1L1 is on the minus strand). VCF-style: chr8-10622841-C-T. GRCh37 (hg19) VCF-style: chr8-10480351-C-T.
Other names: short protein forms E121K.
Identifiers: ClinVar variation 1420412 (VCV001420412.6), dbSNP rs750614061, ClinGen allele CA171954762.

ClinVar aggregate classification (germline): Uncertain significance (1 of 4 stars; one submission).

Submission:

Labcorp Genetics (formerly Invitae), Labcorp
Classification: Uncertain significance. Last evaluated: 2025-03-31. Review status: criteria provided, single submitter. Criteria: Invitae Variant Classification Sherloc (09022015). Collection method: clinical testing. Allele origin: germline.
Comment: This sequence change replaces glutamic acid, which is acidic and polar, with lysine, which is basic and polar, at codon 121 of the RP1L1 protein (p.Glu121Lys). This variant is not present in population databases (gnomAD no frequency). This variant has not been reported in the literature in individuals affected with RP1L1-related conditions. ClinVar contains an entry for this variant (Variation ID: 1420412). Invitae Evidence Modeling of protein sequence and biophysical properties (such as structural, functional, and spatial information, amino acid conservation, physicochemical variation, residue mobility, and thermodynamic stability) indicates that this missense variant is not expected to disrupt RP1L1 protein function with a negative predictive value of 80%. In summary, the available evidence is currently insufficient to determine the role of this variant in disease. Therefore, it has been classified as a Variant of Uncertain Significance.